The following is an entry in ClinVar:

NM_198334.3(GANAB):c.1902C>T (p.Leu634=)

Gene: GANAB (glucosidase II alpha subunit; minus strand). Cytogenetic location: 11q12.3.
Variant type: single nucleotide variant.
Coding change: c.1902C>T on transcript NM_198334.3 (MANE Select); coding-DNA position 1902, C replaced by T.
Protein change: p.Leu634=; no amino-acid change (leucine 634 retained).
Molecular consequence: synonymous variant.
Genome position (GRCh38, 1-based): chr11:62,629,228, G>A on the plus strand (C>T on the coding strand, the complement: GANAB is on the minus strand). VCF-style: chr11-62629228-G-A. GRCh37 (hg19) VCF-style: chr11-62396700-G-A.
Other names: c.1626C>T, p.Leu542= (NM_001278192.2); c.1560C>T, p.Leu520= (NM_001278193.2); c.1611C>T, p.Leu537= (NM_001278194.2, NM_001329222.2, NM_001329223.2); c.1179C>T, p.Leu393= (NM_001329224.2, NM_001329225.2); c.1968C>T, p.Leu656= (NM_198335.4).
Identifiers: ClinVar variation 4778723 (VCV004778723.1).

ClinVar aggregate classification (germline): Uncertain significance (1 of 4 stars; one submission).

gnomAD v4.1: 17 of 1,613,230 alleles (0.0011%); highest among the groups gnomAD compares: Non-Finnish European, 0.0014%; no homozygotes.

Submission:

Labcorp Genetics (formerly Invitae), Labcorp
Classification: Uncertain significance. Last evaluated: 2025-07-30. Review status: criteria provided, single submitter. Criteria: Invitae Variant Classification Sherloc (09022015). Collection method: clinical testing. Allele origin: germline.
Comment: This sequence change affects codon 656 of the GANAB mRNA. It is a 'silent' change, meaning that it does not change the encoded amino acid sequence of the GANAB protein. This variant is present in population databases (rs371107233, gnomAD 0.006%). This variant has not been reported in the literature in individuals affected with GANAB-related conditions. Algorithms developed to predict the effect of sequence changes on RNA splicing suggest that this variant may disrupt the consensus splice site. In summary, the available evidence is currently insufficient to determine the role of this variant in disease. Therefore, it has been classified as a Variant of Uncertain Significance.